The following is an entry in ClinVar:

NM_001105206.3(LAMA4):c.280G>A (p.Gly94Ser)

Gene: LAMA4 (laminin subunit alpha 4; minus strand). Cytogenetic location: 6q21.
Variant type: single nucleotide variant.
Coding change: c.280G>A on transcript NM_001105206.3 (MANE Select); coding-DNA position 280, G replaced by A.
Protein change: p.Gly94Ser; replaces glycine 94 with serine.
Molecular consequence: missense variant.
Genome position (GRCh38, 1-based): chr6:112,216,385, C>T on the plus strand (G>A on the coding strand, the complement: LAMA4 is on the minus strand). VCF-style: chr6-112216385-C-T. GRCh37 (hg19) VCF-style: chr6-112537586-C-T.
Other names: p.G94S:GGC>AGC; c.280G>A, p.Gly94Ser (NM_001105207.3, NM_002290.5); c.280G>A (NM_001105206.2); short protein forms G94S.
Identifiers: ClinVar variation 44368 (VCV000044368.31), dbSNP rs35349917, ClinGen allele CA282370.

ClinVar aggregate classification (germline): Benign/Likely benign. Review status: criteria provided, multiple submitters, no conflicts (2 of 4 stars). 11 submissions from 11 submitters: Benign (6); Likely benign (1). 4 of the submissions do not count toward it. Last evaluated 2026-02-03.

Conditions:
Dilated cardiomyopathy 1JJ (CMD1JJ). Identifiers: Orphanet 154, MedGen C3808935, MONDO:0014095, OMIM 615235.
Cardiomyopathy (CMYO). Also called: Cardiomyopathies. Identifiers: Orphanet 167848, MedGen C0878544, MONDO:0004994, HP:0001638. Inheritance: Various modes of inheritance.

Allele frequency attached by ClinVar (database versions not stated): gnomAD exomes 0.00175 and 0.00441; ExAC 0.00556; gnomAD 0.01613 and 0.01717; TOPMed 0.01787; ESP Exome Variant Server 0.01976; 1000 Genomes Project 0.02177; 1000 Genomes Project 30x 0.02249.
gnomAD v4.1: 5,069 of 1,612,474 alleles (0.31%); highest among the groups gnomAD compares: African/African-American, 5.7%; 131 homozygotes.

Submissions (11):

Labcorp Genetics (formerly Invitae), Labcorp
Classification: Benign for Dilated cardiomyopathy 1JJ. Last evaluated: 2026-02-03. Review status: criteria provided, single submitter. Criteria: Invitae Variant Classification Sherloc (09022015). Collection method: clinical testing. Allele origin: germline.

ARUP Laboratories, Molecular Genetics and Genomics, ARUP Laboratories
Classification: Benign for Dilated cardiomyopathy 1JJ. Last evaluated: 2023-10-16. Review status: criteria provided, single submitter. Criteria: ARUP Molecular Germline Variant Investigation Process 2024. Collection method: clinical testing. Allele origin: germline.

Women's Health and Genetics/Laboratory Corporation of America, LabCorp
Classification: Likely benign. Last evaluated: 2023-04-17. Review status: criteria provided, single submitter. Criteria: LabCorp Variant Classification Summary - May 2015. Collection method: clinical testing. Allele origin: germline.

CHEO Genetics Diagnostic Laboratory, Children's Hospital of Eastern Ontario
Classification: Benign for Cardiomyopathy. Last evaluated: 2016-04-07. Review status: criteria provided, single submitter. Criteria: ACMG Guidelines, 2015. Collection method: clinical testing. Allele origin: germline. Study: Canadian Open Genetics Repository.

GeneDx
Classification: Benign. Last evaluated: 2014-01-15. Review status: criteria provided, single submitter. Criteria: GeneDx Variant Classification (06012015). Collection method: clinical testing. Allele origin: germline. Affected: yes.
Comment: This variant is considered likely benign or benign based on one or more of the following criteria: it is a conservative change, it occurs at a poorly conserved position in the protein, it is predicted to be benign by multiple in silico algorithms, and/or has population frequency not consistent with disease.

Biesecker Lab/Clinical Genomics Section, National Institutes of Health
Classification: Benign. Last evaluated: 2013-06-24. Review status: criteria provided, single submitter. Criteria: Ng et al. (Circ Cardiovasc Genet. 2013). Collection method: research. Allele origin: unknown. Observed: 5 variant alleles. Study: ClinSeq.
Comment: The study set was not selected for affection status in relation to any cancer. Pathogenicity categories were based on literature curation. See Pubmed ID:23861362 for details.

Medical sequencing

Laboratory for Molecular Medicine, Mass General Brigham Personalized Medicine
Classification: Benign. Last evaluated: 2012-02-09. Review status: criteria provided, single submitter. Criteria: LMM Criteria. Collection method: clinical testing. Allele origin: germline. Observed: 29 variant alleles.
Comment: Benign based on high population frequency

Clinical Genetics DNA and cytogenetics Diagnostics Lab, Erasmus MC, Erasmus Medical Center
Classification: Benign. Review status: no assertion criteria provided. Collection method: clinical testing. Allele origin: germline. Affected: yes. Study: VKGL Data-share Consensus. Not counted in ClinVar's aggregate classification.

Clinical Genetics, Academic Medical Center
Classification: Benign. Review status: no assertion criteria provided. Collection method: clinical testing. Allele origin: germline. Affected: yes. Study: VKGL Data-share Consensus. Not counted in ClinVar's aggregate classification.

Genome Diagnostics Laboratory, University Medical Center Utrecht
Classification: Benign. Review status: no assertion criteria provided. Collection method: clinical testing. Allele origin: germline. Affected: yes. Study: VKGL Data-share Consensus. Not counted in ClinVar's aggregate classification.

Joint Genome Diagnostic Labs from Nijmegen and Maastricht, Radboudumc and MUMC+
Classification: Benign. Review status: no assertion criteria provided. Collection method: clinical testing. Allele origin: germline. Affected: yes. Study: VKGL Data-share Consensus. Not counted in ClinVar's aggregate classification.